The following is an entry in ClinVar:

NM_001377458.1(CLCC1):c.715C>T (p.Gln239Ter)

Gene: CLCC1 (chloride channel CLIC like 1; minus strand). Cytogenetic location: 1p13.3.
Variant type: single nucleotide variant.
Coding change: c.715C>T on transcript NM_001377458.1 (MANE Select); coding-DNA position 715, C replaced by T.
Protein change: p.Gln239Ter; replaces glutamine 239 with a stop codon.
Molecular consequence: nonsense. On other transcripts: non-coding transcript variant (1), intron variant (1).
Genome position (GRCh38, 1-based): chr1:108,941,486, G>A on the plus strand (C>T on the coding strand, the complement: CLCC1 is on the minus strand). VCF-style: chr1-108941486-G-A. GRCh37 (hg19) VCF-style: chr1-109484108-G-A.
Other names: c.715C>T, p.Gln239Ter (NM_001048210.3, NM_001377467.1, NM_001377468.1 and 8 more transcripts); c.352C>T, p.Gln118Ter (NM_001278202.2); c.613C>T, p.Gln205Ter (NM_001377469.1); c.424C>T, p.Gln142Ter (NM_001377470.1); c.565C>T, p.Gln189Ter (NM_015127.5); c.340-1704C>T (NM_001278203.1); short protein forms Q142*, Q118*, Q189*, Q205*, Q239*.
Identifiers: ClinVar variation 1976890 (VCV001976890.5), dbSNP rs770795683, ClinGen allele CA983526.

ClinVar aggregate classification (germline): Uncertain significance (1 of 4 stars; one submission).

Allele frequency attached by ClinVar (database versions not stated): gnomAD exomes below 0.00001; ExAC 0.00001; gnomAD 0.00001; TOPMed 0.00001.

Submission:

Labcorp Genetics (formerly Invitae), Labcorp
Classification: Uncertain significance. Last evaluated: 2022-02-19. Review status: criteria provided, single submitter. Criteria: Invitae Variant Classification Sherloc (09022015). Collection method: clinical testing. Allele origin: germline.
Comment: Algorithms developed to predict the effect of sequence changes on RNA splicing suggest that this variant may disrupt the consensus splice site. In summary, the available evidence is currently insufficient to determine the role of this variant in disease. Therefore, it has been classified as a Variant of Uncertain Significance. This variant has not been reported in the literature in individuals affected with CLCC1-related conditions. This variant is present in population databases (rs770795683, gnomAD 0.006%). This sequence change creates a premature translational stop signal (p.Gln239*) in the CLCC1 gene. It is expected to result in an absent or disrupted protein product. However, the current clinical and genetic evidence is not sufficient to establish whether loss-of-function variants in CLCC1 cause disease.